The following is an entry in ClinVar:

NM_000548.5(TSC2):c.2344A>G (p.Lys782Glu)

Gene: TSC2 (TSC complex subunit 2; plus strand). Cytogenetic location: 16p13.3.
Variant type: single nucleotide variant.
Coding change: c.2344A>G on transcript NM_000548.5 (MANE Select); coding-DNA position 2344, A replaced by G.
Protein change: p.Lys782Glu; replaces lysine 782 with glutamic acid.
Molecular consequence: missense variant. On other transcripts: non-coding transcript variant (5).
Genome position (GRCh38, 1-based): chr16:2,072,972, A>G. VCF-style: chr16-2072972-A-G. GRCh37 (hg19) VCF-style: chr16-2122973-A-G.
Other names: c.1000A>G, p.Lys334Glu (NM_001406693.1, NM_001406694.1, NM_001406695.1 and 6 more transcripts); c.742A>G, p.Lys248Glu (NM_001406698.1); c.2344A>G, p.Lys782Glu (NM_021055.3, NM_001077183.3, NM_001114382.3 and 6 more transcripts); c.2233A>G, p.Lys745Glu (NM_001318827.2, NM_001406670.1, NM_001406678.1); c.2197A>G, p.Lys733Glu (NM_001318829.2, NM_001406675.1, NM_001406676.1 and 1 more transcripts); c.1744A>G, p.Lys582Glu (NM_001318831.2, NM_001406680.1, NM_001406682.1 and 6 more transcripts); c.2377A>G, p.Lys793Glu (NM_001318832.2); c.2434A>G, p.Lys812Glu (NM_001406667.1, NM_001406668.1); and 3 more; short protein forms K793E, K334E, K582E, K745E, K763E, K778E, K812E, K628E.
Identifiers: ClinVar variation 2833405 (VCV002833405.3), dbSNP rs2543769778, ClinGen allele CA394276693.
Genomic context (GRCh38, chr16:2,072,972, plus strand): 5'-TTGCACCTGGCCGTGGTTCCAGTGCTGACAGCATTAATCTCTTACCATAACTACCTGGAC[A>G]AAACCAAACAGGTAGGAGGTCAGAGCAGGACAGGCGAGCTTGATGGGGCCTGGGATTCGA-3'
Protein context (NP_000539.2, residues 772-792): ALISYHNYLD[Lys782Glu]TKQREMVYCL

ClinVar aggregate classification (germline): Uncertain significance (1 of 4 stars; one submission).

Conditions:
Tuberous sclerosis 2 (TSC2). Identifiers: Orphanet 805, MedGen C1860707, MONDO:0013199, OMIM 613254.

Allele frequency attached by ClinVar (database versions not stated): gnomAD exomes below 0.00001.
gnomAD v4.1: 1 of 1,613,538 alleles (0.000062%); highest among the groups gnomAD compares: Non-Finnish European, 0.000085%; no homozygotes.

Submission:

Labcorp Genetics (formerly Invitae), Labcorp
Classification: Uncertain significance for Tuberous sclerosis 2. Last evaluated: 2023-02-01. Review status: criteria provided, single submitter. Criteria: Invitae Variant Classification Sherloc (09022015). Collection method: clinical testing. Allele origin: germline.
Comment: In summary, the available evidence is currently insufficient to determine the role of this variant in disease. Therefore, it has been classified as a Variant of Uncertain Significance. Advanced modeling of protein sequence and biophysical properties (such as structural, functional, and spatial information, amino acid conservation, physicochemical variation, residue mobility, and thermodynamic stability) performed at Invitae indicates that this missense variant is not expected to disrupt TSC2 protein function. This variant has not been reported in the literature in individuals affected with TSC2-related conditions. This variant is not present in population databases (gnomAD no frequency). This sequence change replaces lysine, which is basic and polar, with glutamic acid, which is acidic and polar, at codon 782 of the TSC2 protein (p.Lys782Glu).